The following is an entry in ClinVar:

NM_001159699.2(FHL1):c.550-13C>G

Gene: FHL1 (four and a half LIM domains 1; plus strand). Cytogenetic location: Xq26.3.
Variant type: single nucleotide variant.
Coding change: c.550-13C>G on transcript NM_001159699.2 (MANE Select); 13 bases into the intron before coding-DNA position 550, C replaced by G.
Molecular consequence: intron variant.
Genome position (GRCh38, 1-based): chrX:136,208,442, C>G. VCF-style: chrX-136208442-C-G. GRCh37 (hg19) VCF-style: chrX-135290601-C-G.
Other names: c.502-13C>G (NM_001159702.3, NM_001449.5, NM_001369326.1 and 8 more transcripts); c.501+481C>G (NM_001159703.2); c.589-13C>G (NM_001159701.2); c.549+481C>G (NM_001330659.2).
Identifiers: ClinVar variation 1433626 (VCV001433626.8), dbSNP rs372709825, ClinGen allele CA2573159248.

ClinVar aggregate classification (germline): Uncertain significance (1 of 4 stars; one submission).

Conditions:
X-linked myopathy with postural muscle atrophy. Also called: FHL1-Related Emery-Dreifuss Muscular Dystrophy, X-Linked. Identifiers: Orphanet 178461, MedGen C2678055, MONDO:0010401, OMIM 300696.

Submission:

Labcorp Genetics (formerly Invitae), Labcorp
Classification: Uncertain significance for X-linked myopathy with postural muscle atrophy. Last evaluated: 2022-02-05. Review status: criteria provided, single submitter. Criteria: Invitae Variant Classification Sherloc (09022015). Collection method: clinical testing. Allele origin: germline.
Comment: This sequence change falls in intron 5 of the FHL1 gene. It does not directly change the encoded amino acid sequence of the FHL1 protein. This variant is not present in population databases (gnomAD no frequency). This variant has not been reported in the literature in individuals affected with FHL1-related conditions. Algorithms developed to predict the effect of sequence changes on RNA splicing suggest that this variant may create or strengthen a splice site. In summary, the available evidence is currently insufficient to determine the role of this variant in disease. Therefore, it has been classified as a Variant of Uncertain Significance.